The following is an entry in ClinVar:

ClinVar aggregate classification (germline): Uncertain significance (1 of 4 stars; one submission).

Conditions:
Autosomal recessive severe congenital neutropenia due to G6PC3 deficiency. Also called: NEUTROPENIA, SEVERE CONGENITAL, 4, AUTOSOMAL RECESSIVE; G6PC3 Deficiency. Identifiers: Orphanet 331176, MedGen C2751630, MONDO:0012930, OMIM 612541.

Submission:

Labcorp Genetics (formerly Invitae), Labcorp
Classification: Uncertain significance for Autosomal recessive severe congenital neutropenia due to G6PC3 deficiency. Last evaluated: 2025-02-24. Review status: criteria provided, single submitter. Criteria: Invitae Variant Classification Sherloc (09022015). Collection method: clinical testing. Allele origin: germline.
Comment: This sequence change replaces arginine, which is basic and polar, with glycine, which is neutral and non-polar, at codon 189 of the G6PC3 protein (p.Arg189Gly). This variant is not present in population databases (gnomAD no frequency). This variant has not been reported in the literature in individuals affected with G6PC3-related conditions. Invitae Evidence Modeling of protein sequence and biophysical properties (such as structural, functional, and spatial information, amino acid conservation, physicochemical variation, residue mobility, and thermodynamic stability) has been performed for this missense variant. However, the output from this modeling did not meet the statistical confidence thresholds required to predict the impact of this variant on G6PC3 protein function. In summary, the available evidence is currently insufficient to determine the role of this variant in disease. Therefore, it has been classified as a Variant of Uncertain Significance.

NM_138387.4(G6PC3):c.565C>G (p.Arg189Gly)

Gene: G6PC3 (glucose-6-phosphatase catalytic subunit 3; plus strand). Cytogenetic location: 17q21.31.
Variant type: single nucleotide variant.
Coding change: c.565C>G on transcript NM_138387.4 (MANE Select); coding-DNA position 565, C replaced by G.
Protein change: p.Arg189Gly; replaces arginine 189 with glycine.
Molecular consequence: missense variant.
Genome position (GRCh38, 1-based): chr17:44,075,339, C>G. VCF-style: chr17-44075339-C-G. GRCh37 (hg19) VCF-style: chr17-42152707-C-G.
Other names: c.220C>G, p.Arg74Gly (NM_001384168.1, NM_001384165.1, NM_001384166.1 and 1 more transcripts); c.446C>G, p.Pro149Arg (NM_001319945.2); short protein forms P149R, R189G, R74G.
Identifiers: ClinVar variation 4808132 (VCV004808132.1).